The following is an entry in ClinVar:

ClinVar aggregate classification (germline): Likely benign. Review status: criteria provided, single submitter (1 of 4 stars). 2 submissions from 2 submitters: Likely benign (1). 1 of the submissions does not count toward it. Last evaluated 2023-12-12.

Conditions:
PCNT-related disorder. Also called: PCNT-related condition.

Allele frequency attached by ClinVar (database versions not stated): gnomAD exomes 0.00002 and 0.00006; ExAC 0.00005; ESP Exome Variant Server 0.00008; gnomAD 0.00011 and 0.00013; TOPMed 0.00013; 1000 Genomes Project 30x 0.00062; 1000 Genomes Project 0.00080.

Submissions (2):

Labcorp Genetics (formerly Invitae), Labcorp
Classification: Likely benign. Last evaluated: 2023-12-12. Review status: criteria provided, single submitter. Criteria: Invitae Variant Classification Sherloc (09022015). Collection method: clinical testing. Allele origin: germline.

PreventionGenetics, part of Exact Sciences
Classification: Likely benign for PCNT-related condition. Last evaluated: 2022-03-31. Review status: no assertion criteria provided. Collection method: clinical testing. Allele origin: germline. Not counted in ClinVar's aggregate classification.
Comment: This variant is classified as likely benign based on ACMG/AMP sequence variant interpretation guidelines (Richards et al. 2015 PMID: 25741868, with internal and published modifications).

NM_006031.6(PCNT):c.5493G>A (p.Ala1831=)

Gene: PCNT (pericentrin; plus strand). Cytogenetic location: 21q22.3.
Variant type: single nucleotide variant.
Coding change: c.5493G>A on transcript NM_006031.6 (MANE Select); coding-DNA position 5493, G replaced by A.
Protein change: p.Ala1831=; no amino-acid change (alanine 1831 retained).
Molecular consequence: synonymous variant.
Genome position (GRCh38, 1-based): chr21:46,411,566, G>A. VCF-style: chr21-46411566-G-A. GRCh37 (hg19) VCF-style: chr21-47831480-G-A.
Other names: c.5139G>A, p.Ala1713= (NM_001315529.2); c.5493G>A (NM_006031.5).
Identifiers: ClinVar variation 1567765 (VCV001567765.10), dbSNP rs142278771, ClinGen allele CA10080000.